The following is an entry in ClinVar:

NM_030973.4(MED25):c.235G>A (p.Glu79Lys)

Gene: MED25 (mediator complex subunit 25; plus strand). Cytogenetic location: 19q13.33.
Variant type: single nucleotide variant.
Coding change: c.235G>A on transcript NM_030973.4 (MANE Select); coding-DNA position 235, G replaced by A.
Protein change: p.Glu79Lys; replaces glutamic acid 79 with lysine.
Molecular consequence: missense variant.
Genome position (GRCh38, 1-based): chr19:49,819,226, G>A. VCF-style: chr19-49819226-G-A. GRCh37 (hg19) VCF-style: chr19-50322483-G-A.
Other names: c.235G>A, p.Glu79Lys (NM_001378355.1); short protein forms E79K.
Identifiers: ClinVar variation 647680 (VCV000647680.6), dbSNP rs1359745073, ClinGen allele CA406909548.
Genomic context (GRCh38, chr19:49,819,226, plus strand): 5'-TCCCAGTATGGGGGGACCCAGTACAGCCTCGTGGTGTTCAACACAGTGGACTGCGCTCCC[G>A]AGTCCTACGTACAATGTCACGCTCCCACCAGCAGCGCCTATGAGTTTGTCACCTGGCTCG-3'
Protein context (NP_112235.2, residues 69-89): VVFNTVDCAP[Glu79Lys]SYVQCHAPTS

ClinVar aggregate classification (germline): Uncertain significance (1 of 4 stars; one submission).

Conditions:
Charcot-Marie-Tooth disease type 2. Also called: Charcot-Marie-Tooth type 2. Identifiers: Orphanet 64746, MedGen C0270914, MONDO:0018993.

Allele frequency attached by ClinVar (database versions not stated): gnomAD 0.00001; gnomAD exomes below 0.00001; TOPMed below 0.00001.
gnomAD v4.1: 7 of 1,614,078 alleles (0.00043%); highest among the groups gnomAD compares: Non-Finnish European, 0.00059%; no homozygotes.

Submission:

Labcorp Genetics (formerly Invitae), Labcorp
Classification: Uncertain significance for Charcot-Marie-Tooth disease type 2. Last evaluated: 2021-08-27. Review status: criteria provided, single submitter. Criteria: Invitae Variant Classification Sherloc (09022015). Collection method: clinical testing. Allele origin: germline.
Comment: This sequence change replaces glutamic acid with lysine at codon 79 of the MED25 protein (p.Glu79Lys). The glutamic acid residue is highly conserved and there is a small physicochemical difference between glutamic acid and lysine. This variant is not present in population databases (ExAC no frequency). This variant has not been reported in the literature in individuals affected with MED25-related conditions. Algorithms developed to predict the effect of missense changes on protein structure and function are either unavailable or do not agree on the potential impact of this missense change (SIFT: "Deleterious"; PolyPhen-2: "Probably Damaging"; Align-GVGD: "Class C0"). In summary, the available evidence is currently insufficient to determine the role of this variant in disease. Therefore, it has been classified as a Variant of Uncertain Significance.